The following is an entry in ClinVar:

NM_019032.6(ADAMTSL4):c.2047+13A>G

Genes: ADAMTSL4 (ADAMTS like 4; plus strand), ADAMTSL4-AS2 (ADAMTSL4 antisense RNA 2; minus strand). Cytogenetic location: 1q21.2.
Variant type: single nucleotide variant.
Coding change: c.2047+13A>G on transcript NM_019032.6 (MANE Select); 13 bases into the intron after coding-DNA position 2047, A replaced by G.
Molecular consequence: intron variant.
Genome position (GRCh38, 1-based): chr1:150,557,348, A>G. VCF-style: chr1-150557348-A-G. GRCh37 (hg19) VCF-style: chr1-150529824-A-G.
Other names: c.2116+13A>G (NM_001288608.2); c.1930+13A>G (NM_001288607.2); c.2047+13A>G (NM_001378596.1, NM_025008.5).
Identifiers: ClinVar variation 1519293 (VCV001519293.5), dbSNP rs781104839, ClinGen allele CA1078494.

ClinVar aggregate classification (germline): Conflicting classifications of pathogenicity. Review status: criteria provided, conflicting classifications (1 of 4 stars). 2 submissions from 2 submitters: Uncertain significance (1); Likely benign (1). Last evaluated 2022-03-21.

Conditions:
Ectopia lentis 2, isolated, autosomal recessive (ECTOL2). Identifiers: Orphanet 1885, MedGen C3541474, MONDO:0009152, OMIM 225100.

Allele frequency attached by ClinVar (database versions not stated): gnomAD 0.00001; gnomAD exomes 0.00001 and 0.00002; ExAC 0.00002; TOPMed 0.00002.
gnomAD v4.1: 34 of 1,607,930 alleles (0.0021%); highest among the groups gnomAD compares: Non-Finnish European, 0.0028%; no homozygotes.

Submissions (2):

Blueprint Genetics
Classification: Likely benign. Last evaluated: 2022-03-21. Review status: criteria provided, single submitter. Criteria: ACMG Guidelines, 2015. Collection method: clinical testing. Allele origin: germline.

Labcorp Genetics (formerly Invitae), Labcorp
Classification: Uncertain significance. Last evaluated: 2021-10-10. Review status: criteria provided, single submitter. Criteria: Invitae Variant Classification Sherloc (09022015). Collection method: clinical testing. Allele origin: germline.
Comment: This sequence change falls in intron 12 of the ADAMTSL4 gene. It does not directly change the encoded amino acid sequence of the ADAMTSL4 protein. This variant is present in population databases (rs781104839, ExAC 0.004%). This variant has not been reported in the literature in individuals affected with ADAMTSL4-related conditions. Algorithms developed to predict the effect of sequence changes on RNA splicing suggest that this variant may create or strengthen a splice site. In summary, the available evidence is currently insufficient to determine the role of this variant in disease. Therefore, it has been classified as a Variant of Uncertain Significance.